The following is an entry in ClinVar:

ClinVar aggregate classification (germline): Conflicting classifications of pathogenicity. Review status: criteria provided, conflicting classifications (1 of 4 stars). 5 submissions from 5 submitters: Uncertain significance (4); Likely benign (1). Last evaluated 2026-01-12.

Conditions:
Tuberous sclerosis syndrome (TSC). Also called: Tuberous Sclerosis Complex; Tuberous sclerosis. Identifiers: Orphanet 805, MedGen C0041341, MONDO:0001734.
Hereditary cancer-predisposing syndrome. Also called: Hereditary neoplastic syndrome; Neoplastic Syndromes, Hereditary; Tumor predisposition; Hereditary Cancer Syndrome. Identifiers: Orphanet 140162, MedGen C0027672, MeSH D009386, MONDO:0015356.
Tuberous sclerosis 2 (TSC2). Identifiers: Orphanet 805, MedGen C1860707, MONDO:0013199, OMIM 613254.

Submissions (5):

Labcorp Genetics (formerly Invitae), Labcorp
Classification: Uncertain significance for Tuberous sclerosis 2. Last evaluated: 2026-01-12. Review status: criteria provided, single submitter. Criteria: Invitae Variant Classification Sherloc (09022015). Collection method: clinical testing. Allele origin: germline.
Comment: This sequence change falls in intron 23 of the TSC2 gene. It does not directly change the encoded amino acid sequence of the TSC2 protein. This variant is not present in population databases (gnomAD no frequency). This variant has not been reported in the literature in individuals affected with TSC2-related conditions. ClinVar contains an entry for this variant (Variation ID: 480860). Studies have shown that this variant is associated with inconclusive levels of altered splicing (internal data). In summary, the available evidence is currently insufficient to determine the role of this variant in disease. Therefore, it has been classified as a Variant of Uncertain Significance.

Ambry Genetics
Classification: Likely benign for Hereditary cancer-predisposing syndrome. Last evaluated: 2025-12-02. Review status: criteria provided, single submitter. Criteria: Ambry Variant Classification Scheme 2023. Collection method: clinical testing. Allele origin: germline.

All of Us Research Program, National Institutes of Health
Classification: Uncertain significance for Tuberous sclerosis syndrome. Last evaluated: 2024-06-09. Review status: criteria provided, single submitter. Criteria: ACMG Guidelines, 2015. Collection method: clinical testing. Allele origin: germline. Inheritance: Autosomal dominant inheritance. Observed: 1 variant allele, 1 heterozygote.
Comment: This variant causes a deletion of two nucleotides in intron 23 of the TSC2 gene. Splice site prediction tools suggest that this variant may impact RNA splicing. To our knowledge, RNA studies have not been reported for this variant. This variant has not been reported in individuals affected with TSC2-related disorders in the literature. This variant has not been identified in the general population by the Genome Aggregation Database (gnomAD). The available evidence is insufficient to determine the role of this variant in disease conclusively. Therefore, this variant is classified as a Variant of Uncertain Significance.

This study involves interpretation of variants in research participants for the purpose of population health screening. Participant phenotype was not available at the time of variant classification. Additional details can be found in publication PMID: 35346344, PMCID: PMC8962531

Color Diagnostics, LLC DBA Color Health
Classification: Uncertain significance for Tuberous sclerosis syndrome. Last evaluated: 2024-05-15. Review status: criteria provided, single submitter. Criteria: ACMG Guidelines, 2015. Collection method: clinical testing. Allele origin: germline.
Comment: This variant causes a deletion of two nucleotides in intron 23 of the TSC2 gene. Splice site prediction tools suggest that this variant may impact RNA splicing. To our knowledge, RNA studies have not been reported for this variant. This variant has not been reported in individuals affected with TSC2-related disorders in the literature. This variant has not been identified in the general population by the Genome Aggregation Database (gnomAD). The available evidence is insufficient to determine the role of this variant in disease conclusively. Therefore, this variant is classified as a Variant of Uncertain Significance.

GeneDx
Classification: Uncertain significance. Last evaluated: 2024-01-23. Review status: criteria provided, single submitter. Criteria: GeneDx Variant Classification Process June 2021. Collection method: clinical testing. Allele origin: germline. Affected: yes.
Comment: Not observed at significant frequency in large population cohorts (gnomAD); Has not been previously published as pathogenic or benign to our knowledge; In silico analysis is inconclusive as to whether the variant alters gene splicing. In the absence of RNA/functional studies, the actual effect of this sequence change is unknown.

NM_000548.5(TSC2):c.2640-4_2640-3del

Gene: TSC2 (TSC complex subunit 2; plus strand). Cytogenetic location: 16p13.3.
Variant type: Microsatellite.
Coding change: c.2640-4_2640-3del on transcript NM_000548.5 (MANE Select); 4 bases into the intron before coding-DNA position 2640 through 3 bases into the intron before coding-DNA position 2640, 2 bases deleted (TC; older notation c.2640-4_2640-3delTC).
Molecular consequence: intron variant.
Genome position (GRCh38, 1-based): chr16:2,076,064-2,076,065, TC deleted; deleting any 2 consecutive bases within chr16:2,076,062-2,076,065 gives the same sequence; the c. name uses the placement nearest the transcript's 3' end. VCF-style (leftmost placement, unchanged base first): chr16-2076061-ATC-A. GRCh37 (hg19) VCF-style: chr16-2126062-ATC-A.
Other names: c.2640-4_2640-3del (NM_001114382.3, NM_021055.3, NM_001370405.1 and 3 more transcripts); c.2529-4_2529-3del (NM_001318827.2); c.2040-4_2040-3del (NM_001318831.2); c.2493-4_2493-3del (NM_001318829.2); c.2673-4_2673-3del (NM_001318832.2).
Identifiers: ClinVar variation 480860 (VCV000480860.15), dbSNP rs1555508570, ClinGen allele CA658658380.